The following is an entry in ClinVar:

NM_000130.5(F5):c.*581C>A

Gene: F5 (coagulation factor V; minus strand). Cytogenetic location: 1q24.2.
Variant type: single nucleotide variant.
Coding change: c.*581C>A on transcript NM_000130.5 (MANE Select); 581 bases downstream of the stop codon, C replaced by A.
Molecular consequence: 3 prime UTR variant.
Genome position (GRCh38, 1-based): chr1:169,513,732, G>T on the plus strand (C>A on the coding strand, the complement: F5 is on the minus strand). VCF-style: chr1-169513732-G-T. GRCh37 (hg19) VCF-style: chr1-169482970-G-T.
Identifiers: ClinVar variation 293560 (VCV000293560.6), dbSNP rs180742904, ClinGen allele CA10608695.

ClinVar aggregate classification (germline): Conflicting classifications of pathogenicity. Review status: criteria provided, conflicting classifications (1 of 4 stars). 3 submissions from 1 submitter: Uncertain significance (2); Likely benign (1). Last evaluated 2018-01-13.

Conditions:
Factor V deficiency. Also called: Reduced coagulation factor V activity. Identifiers: Orphanet 326, MedGen C4317320, MONDO:0020586, HP:0003225.
Thrombophilia due to thrombin defect (THPH1). Also called: Thrombosis susceptibility; THROMBOPHILIA DUE TO FACTOR 2 DEFECT; Prothrombin-Related Thrombophilia (Factor II); Prothrombin Thrombophilia. Identifiers: MedGen C3160733, MONDO:0008559, OMIM 188050. Disease mechanism: gain of function, loss of function.
Budd-Chiari syndrome (BDCHS). Also called: Hepatic vein obstruction. Identifiers: Orphanet 131, MedGen C0856761, MONDO:0010947, OMIM 600880, HP:0002639.

Allele frequency attached by ClinVar (database versions not stated): 1000 Genomes Project 0.00060; 1000 Genomes Project 30x 0.00109; TOPMed 0.00213; gnomAD 0.00221 and 0.00227.
gnomAD v4.1: 333 of 152,184 alleles (0.22%); highest among the groups gnomAD compares: Non-Finnish European, 0.41%; 1 homozygote.

Submissions (3):

Illumina Laboratory Services, Illumina
Classification: Likely benign for Venous thrombosis. Last evaluated: 2018-01-13. Review status: criteria provided, single submitter. Criteria: ICSL Variant Classification Criteria 13 December 2019. Collection method: clinical testing. Allele origin: germline.
Comment: This variant was observed in the ICSL laboratory as part of a predisposition screen in an ostensibly healthy population. It had not been previously curated by ICSL or reported in the Human Gene Mutation Database (HGMD: prior to June 1st, 2018), and was therefore a candidate for classification through an automated scoring system. Utilizing variant allele frequency, disease prevalence and penetrance estimates, and inheritance mode, an automated score was calculated to assess if this variant is too frequent to cause the disease. Based on the score and internal cut-off values, a variant classified as likely benign is not then subjected to further curation. The score for this variant resulted in a classification of likely benign for this disease.

Illumina Laboratory Services, Illumina
Classification: Uncertain significance for Congenital factor V deficiency. Last evaluated: 2018-01-13. Review status: criteria provided, single submitter. Criteria: ICSL Variant Classification Criteria 13 December 2019. Collection method: clinical testing. Allele origin: germline.

Illumina Laboratory Services, Illumina
Classification: Uncertain significance for Budd-Chiari syndrome. Last evaluated: 2018-01-13. Review status: criteria provided, single submitter. Criteria: ICSL Variant Classification Criteria 13 December 2019. Collection method: clinical testing. Allele origin: germline.